The following is an entry in ClinVar:

NM_006033.4(LIPG):c.1399C>T (p.Pro467Ser)

Gene: LIPG (lipase G, endothelial type; plus strand). Cytogenetic location: 18q21.1.
Variant type: single nucleotide variant.
Coding change: c.1399C>T on transcript NM_006033.4 (MANE Select); coding-DNA position 1399, C replaced by T.
Protein change: p.Pro467Ser; replaces proline 467 with serine.
Molecular consequence: missense variant.
Genome position (GRCh38, 1-based): chr18:49,586,768, C>T. VCF-style: chr18-49586768-C-T. GRCh37 (hg19) VCF-style: chr18-47113138-C-T.
Other names: c.1177C>T, p.Pro393Ser (NM_001308006.2); c.1399C>T (NM_006033.3); short protein forms P393S, P467S.
Identifiers: ClinVar variation 1568435 (VCV001568435.10), dbSNP rs138288794, ClinGen allele CA8959393.

ClinVar aggregate classification (germline): Benign. Review status: criteria provided, single submitter (1 of 4 stars). 2 submissions from 2 submitters: Benign (1). 1 of the submissions does not count toward it. Last evaluated 2025-12-21.

Conditions:
LIPG-related disorder. Also called: LIPG-related condition.

Allele frequency attached by ClinVar (database versions not stated): gnomAD 0.00006 and 0.00033; TOPMed 0.00006; ESP Exome Variant Server 0.00008; gnomAD exomes 0.00061 and 0.00113; ExAC 0.00119; 1000 Genomes Project 0.00140; 1000 Genomes Project 30x 0.00141.
gnomAD v4.1: 953 of 1,614,000 alleles (0.059%); highest among the groups gnomAD compares: South Asian, 0.88%; 15 homozygotes.

Submissions (2):

Labcorp Genetics (formerly Invitae), Labcorp
Classification: Benign. Last evaluated: 2025-12-21. Review status: criteria provided, single submitter. Criteria: Invitae Variant Classification Sherloc (09022015). Collection method: clinical testing. Allele origin: germline.

PreventionGenetics, part of Exact Sciences
Classification: Benign for LIPG-related condition. Last evaluated: 2019-07-03. Review status: no assertion criteria provided. Collection method: clinical testing. Allele origin: germline. Not counted in ClinVar's aggregate classification.
Comment: This variant is classified as benign based on ACMG/AMP sequence variant interpretation guidelines (Richards et al. 2015 PMID: 25741868, with internal and published modifications).